The following is an entry in ClinVar:

ClinVar aggregate classification (germline): Uncertain significance. Review status: criteria provided, multiple submitters, no conflicts (2 of 4 stars). 2 submissions from 2 submitters: Uncertain significance (2). Last evaluated 2025-06-19.

Conditions:
Inborn genetic diseases. Identifiers: MedGen C0950123, MeSH D030342.

Allele frequency attached by ClinVar (database versions not stated): gnomAD exomes 0.00001; gnomAD 0.00003.
gnomAD v4.1: 25 of 1,613,748 alleles (0.0015%); highest among the groups gnomAD compares: Non-Finnish European, 0.002%; no homozygotes.

Submissions (2):

Ambry Genetics
Classification: Uncertain significance for Inborn genetic diseases. Last evaluated: 2025-06-19. Review status: criteria provided, single submitter. Criteria: Ambry Variant Classification Scheme 2023. Collection method: clinical testing. Allele origin: germline.

Labcorp Genetics (formerly Invitae), Labcorp
Classification: Uncertain significance. Last evaluated: 2021-09-17. Review status: criteria provided, single submitter. Criteria: Invitae Variant Classification Sherloc (09022015). Collection method: clinical testing. Allele origin: germline.
Comment: This sequence change replaces arginine with tryptophan at codon 107 of the HPS1 protein (p.Arg107Trp). The arginine residue is highly conserved and there is a moderate physicochemical difference between arginine and tryptophan. This variant is not present in population databases (ExAC no frequency). This variant has not been reported in the literature in individuals with HPS1-related conditions. Algorithms developed to predict the effect of missense changes on protein structure and function are either unavailable or do not agree on the potential impact of this missense change (SIFT: "Deleterious"; PolyPhen-2: "Benign"; Align-GVGD: "Class C0"). In summary, the available evidence is currently insufficient to determine the role of this variant in disease. Therefore, it has been classified as a Variant of Uncertain Significance.

NM_000195.5(HPS1):c.319C>T (p.Arg107Trp)

Gene: HPS1 (HPS1 biogenesis of lysosomal organelles complex 3 subunit 1; minus strand). Cytogenetic location: 10q24.2.
Variant type: single nucleotide variant.
Coding change: c.319C>T on transcript NM_000195.5 (MANE Select); coding-DNA position 319, C replaced by T.
Protein change: p.Arg107Trp; replaces arginine 107 with tryptophan.
Molecular consequence: missense variant. On other transcripts: 5 prime UTR variant (2), intron variant (7).
Genome position (GRCh38, 1-based): chr10:98,435,351, G>A on the plus strand (C>T on the coding strand, the complement: HPS1 is on the minus strand). VCF-style: chr10-98435351-G-A. GRCh37 (hg19) VCF-style: chr10-100195108-G-A.
Other names: c.-598C>T (NM_001311345.2); c.319C>T, p.Arg107Trp (NM_001322476.2, NM_001322477.2, NM_001322478.2 and 5 more transcripts); c.-697C>T (NM_001322487.2); c.29+284C>T (NM_001322483.2, NM_001322485.2, NM_001322484.2); c.255+284C>T (NM_001322480.2, NM_001322482.2, NM_001322481.2); c.-519+284C>T (NM_001322489.2); c.319C>T (NM_000195.3); short protein forms R107W.
Identifiers: ClinVar variation 2419734 (VCV002419734.4), dbSNP rs1217977527, ClinGen allele CA378054555.